The following is an entry in ClinVar:

NM_182978.4(GNAL):c.1292T>C (p.Val431Ala)

Gene: GNAL (G protein subunit alpha L; plus strand). Cytogenetic location: 18p11.21.
Variant type: single nucleotide variant.
Coding change: c.1292T>C on transcript NM_182978.4 (MANE Select); coding-DNA position 1292, T replaced by C.
Protein change: p.Val431Ala; replaces valine 431 with alanine.
Molecular consequence: missense variant.
Genome position (GRCh38, 1-based): chr18:11,881,050, T>C. VCF-style: chr18-11881050-T-C. GRCh37 (hg19) VCF-style: chr18-11881049-T-C.
Other names: c.1061T>C, p.Val354Ala (NM_001142339.3, NM_001261443.2, NM_001369387.1); c.440T>C, p.Val147Ala (NM_001261444.2); short protein forms V147A, V431A, V354A.
Identifiers: ClinVar variation 2138128 (VCV002138128.4), dbSNP rs2510535483, ClinGen allele CA401928272.

ClinVar aggregate classification (germline): Pathogenic (1 of 4 stars; one submission).

Conditions:
Dystonic disorder. Also called: Dystonia. Identifiers: MedGen C0013421, MONDO:0003441, HP:0001332.

Submission:

Labcorp Genetics (formerly Invitae), Labcorp
Classification: Pathogenic for Dystonic disorder. Last evaluated: 2022-03-01. Review status: criteria provided, single submitter. Criteria: Invitae Variant Classification Sherloc (09022015). Collection method: clinical testing. Allele origin: germline.
Comment: For these reasons, this variant has been classified as Pathogenic. Advanced modeling of protein sequence and biophysical properties (such as structural, functional, and spatial information, amino acid conservation, physicochemical variation, residue mobility, and thermodynamic stability) performed at Invitae indicates that this missense variant is expected to disrupt GNAL protein function. This missense change has been observed in individual(s) with cervical dystonia (PMID: 24729450). In at least one individual the variant was observed to be de novo. This variant is not present in population databases (gnomAD no frequency). This sequence change replaces valine, which is neutral and non-polar, with alanine, which is neutral and non-polar, at codon 354 of the GNAL protein (p.Val354Ala).

Literature cited by the submitters: PubMed 24729450.